The following is an entry in ClinVar:

ClinVar aggregate classification (germline): Uncertain significance (1 of 4 stars; one submission).

Conditions:
Tuberous sclerosis 2 (TSC2). Identifiers: Orphanet 805, MedGen C1860707, MONDO:0013199, OMIM 613254.

Allele frequency attached by ClinVar (database versions not stated): gnomAD exomes below 0.00001; gnomAD 0.00001.
gnomAD v4.1: 2 of 1,614,084 alleles (0.00012%); highest among the groups gnomAD compares: African/African-American, 0.0027%; no homozygotes.

Submission:

Labcorp Genetics (formerly Invitae), Labcorp
Classification: Uncertain significance for Tuberous sclerosis 2. Last evaluated: 2021-11-29. Review status: criteria provided, single submitter. Criteria: Invitae Variant Classification Sherloc (09022015). Collection method: clinical testing. Allele origin: germline.
Comment: This sequence change replaces arginine, which is basic and polar, with methionine, which is neutral and non-polar, at codon 381 of the TSC2 protein (p.Arg381Met). This variant is not present in population databases (gnomAD no frequency). This variant has not been reported in the literature in individuals affected with TSC2-related conditions. Advanced modeling of protein sequence and biophysical properties (such as structural, functional, and spatial information, amino acid conservation, physicochemical variation, residue mobility, and thermodynamic stability) performed at Invitae indicates that this missense variant is not expected to disrupt TSC2 protein function. In summary, the available evidence is currently insufficient to determine the role of this variant in disease. Therefore, it has been classified as a Variant of Uncertain Significance.

NM_000548.5(TSC2):c.1142G>T (p.Arg381Met)

Gene: TSC2 (TSC complex subunit 2; plus strand). Cytogenetic location: 16p13.3.
Variant type: single nucleotide variant.
Coding change: c.1142G>T on transcript NM_000548.5 (MANE Select); coding-DNA position 1142, G replaced by T.
Protein change: p.Arg381Met; replaces arginine 381 with methionine.
Molecular consequence: missense variant.
Genome position (GRCh38, 1-based): chr16:2,061,893, G>T. VCF-style: chr16-2061893-G-T. GRCh37 (hg19) VCF-style: chr16-2111894-G-T.
Other names: c.1142G>T, p.Arg381Met (NM_001077183.3, NM_001114382.3, NM_001363528.2 and 3 more transcripts); c.1031G>T, p.Arg344Met (NM_001318827.2); c.995G>T, p.Arg332Met (NM_001318829.2); c.542G>T, p.Arg181Met (NM_001318831.2); c.1175G>T, p.Arg392Met (NM_001318832.2); short protein forms R181M, R392M, R332M, R344M, R381M.
Identifiers: ClinVar variation 1395744 (VCV001395744.6), dbSNP rs45465395, ClinGen allele CA394319977.